The following is an entry in ClinVar:

NM_017934.7(PHIP):c.3975_3976del (p.Cys1325_Glu1326delinsTer)

Genes: IRAK1BP1 (interleukin 1 receptor associated kinase 1 binding protein 1; plus strand), PHIP (PHIP subunit of CUL4-Ring ligase complex; minus strand). Cytogenetic location: 6q14.1.
Variant type: Microsatellite.
Coding change: c.3975_3976del on transcript NM_017934.7 (MANE Select); coding-DNA positions 3975 to 3976, 2 bases deleted (TG; older notation c.3975_3976delTG).
Protein change: p.Cys1325_Glu1326delinsTer.
Molecular consequence: nonsense.
Genome position (GRCh38, 1-based): chr6:78,954,891-78,954,892, CA deleted on the plus strand (TG on the coding strand, the reverse complement: PHIP is on the minus strand); deleting any 2 consecutive bases within chr6:78,954,891-78,954,895 gives the same sequence; the c. name uses the placement nearest the transcript's 3' end. VCF-style (leftmost placement, unchanged base first): chr6-78954890-TCA-T. GRCh37 (hg19) VCF-style: chr6-79664607-TCA-T.
Identifiers: ClinVar variation 2098354 (VCV002098354.4), dbSNP rs2481832989, ClinGen allele CA2580617297.

ClinVar aggregate classification (germline): Pathogenic (1 of 4 stars; one submission).

Submission:

Labcorp Genetics (formerly Invitae), Labcorp
Classification: Pathogenic. Last evaluated: 2024-09-06. Review status: criteria provided, single submitter. Criteria: Invitae Variant Classification Sherloc (09022015). Collection method: clinical testing. Allele origin: germline.
Comment: This sequence change creates a premature translational stop signal (p.Cys1325*) in the PHIP gene. It is expected to result in an absent or disrupted protein product. Loss-of-function variants in PHIP are known to be pathogenic (PMID: 27900362). This variant is not present in population databases (gnomAD no frequency). This variant has not been reported in the literature in individuals affected with PHIP-related conditions. For these reasons, this variant has been classified as Pathogenic.

Literature cited by the submitters: PubMed 27900362.